The following is an entry in ClinVar:

ClinVar aggregate classification (germline): Pathogenic/Likely pathogenic. Review status: criteria provided, multiple submitters, no conflicts (2 of 4 stars). 16 submissions from 15 submitters: Pathogenic (12); Likely pathogenic (1). 3 of the submissions do not count toward it. Last evaluated 2025-11-16.

Conditions:
Hereditary nonpolyposis colon cancer (HNPCC). Also called: Hereditary nonpolyposis colorectal cancer; Familial nonpolyposis colon cancer; Hereditary Nonpolyposis Colorectal Cancer Syndrome. Identifiers: Orphanet 443909, MedGen C1333990, MONDO:0018630. Disease mechanism: loss of function.
Mismatch repair cancer syndrome 3. Identifiers: MedGen C5436807, MONDO:0030841, OMIM 619097.
Hereditary nonpolyposis colorectal neoplasms. Identifiers: MedGen C0009405, MeSH D003123.
Hereditary cancer-predisposing syndrome. Also called: Tumor predisposition; Neoplastic Syndromes, Hereditary; Hereditary Cancer Syndrome; Hereditary neoplastic syndrome. Identifiers: Orphanet 140162, MedGen C0027672, MeSH D009386, MONDO:0015356.
Gastric cancer. Also called: Stomach cancer; Malignant tumor of stomach. Identifiers: MedGen C0024623, MeSH D013274, MONDO:0001056, OMIM 613659, HP:0012126.
Lynch syndrome. Identifiers: Orphanet 144, MedGen C4552100, MONDO:0005835. Disease mechanism: loss of function.
Lynch syndrome 5 (LYNCH5). Also called: Hereditary non-polyposis colorectal cancer, type 5; Colorectal cancer, hereditary nonpolyposis, type 5. Identifiers: Orphanet 144, MedGen C1833477, MONDO:0013710, OMIM 614350. Disease mechanism: loss of function.
Carcinoma of colon (CRC). Also called: Colon carcinoma; Colonic carcinoma. Identifiers: MedGen C0699790, MONDO:0002032.
Endometrial carcinoma. Also called: Endometrial carcinoma, somatic. Identifiers: MedGen C0476089, MONDO:0002447, OMIM 608089, HP:0012114.

Submissions 1 to 8 of 16:

Labcorp Genetics (formerly Invitae), Labcorp
Classification: Pathogenic for Hereditary nonpolyposis colorectal neoplasms. Last evaluated: 2025-11-16. Review status: criteria provided, single submitter. Criteria: Invitae Variant Classification Sherloc (09022015). Collection method: clinical testing. Allele origin: germline.
Comment: This sequence change creates a premature translational stop signal (p.Leu1330Valfs*12) in the MSH6 gene. While this is not anticipated to result in nonsense mediated decay, it is expected to disrupt the last 31 amino acid(s) of the MSH6 protein. This variant is present in population databases (rs786204180, gnomAD 0.0009%). This premature translational stop signal has been observed in individual(s) with clinical features of MSH6-related conditions (PMID: 14520694, 19851887, 20028993, 24440087). It has also been observed to segregate with disease in related individuals. Invitae Evidence Modeling of clinical and family history, age, sex, and reported ancestry of multiple individuals with this MSH6 variant has been performed. This variant is expected to be pathogenic with a positive predictive value of at least 99%. This is a validated machine learning model that incorporates the clinical features of 1,627,235 individuals referred to our laboratory for MSH6 testing. ClinVar contains an entry for this variant (Variation ID: 184998). For these reasons, this variant has been classified as Pathogenic.

Institute for Genomic Medicine (IGM) Clinical Laboratory, Nationwide Children's Hospital
Classification: Pathogenic for Hereditary cancer-predisposing syndrome. Last evaluated: 2025-01-15. Review status: criteria provided, single submitter. Criteria: ACMG Guidelines, 2015. Collection method: clinical testing. Allele origin: germline.
Comment: This variant is predicted to result in loss of function through nonsense-mediated decay of the encoded transcript or premature truncation of the encoded protein in a gene in which loss of function is a known mechanism of disease (ACMG/AMP: PVS1_Strong; PMIDs:34445333, 19851887). This variant has been reported at an elevated frequency in affected individuals/in multiple affected individuals in the literature (ACMG/AMP: PS4; PMIDs:31501241, 31730237, 32030746, 22250089). This variant is absent from or present at an exceedingly low frequency in gnomAD, a large-scale control population database (ACMG/AMP: PM2). This variant has been observed in trans with a pathogenic variant (ACMG/AMP: PM3; PMID:22250089).

Quest Diagnostics Nichols Institute San Juan Capistrano
Classification: Pathogenic. Last evaluated: 2024-11-06. Review status: criteria provided, single submitter. Criteria: Quest Diagnostics criteria. Collection method: clinical testing. Allele origin: unknown.
Comment: The MSH6 c.3980_3983dup (p.Leu1330Valfs*12) variant alters the translational reading frame of the MSH6 mRNA and causes the premature termination of MSH6 protein synthesis. This variant has been reported in the published literature in individuals affected with colon cancer and endometrial cancer (PMIDs: 38722212 (2024), 32844218 (2021)) as well as constitutional mismatch repair deficiency (CMMRD) syndrome (PMIDs: 31730237 (2020), 31501241 (2020)). Other published studies have shown that this variant has deleterious effects on the expression and function of the MSH6 protein (PMIDs: 22250089 (2012), 32844218 (2021)). The frequency of this variant in the general population, 0.000004 (1/246946 chromosomes (Genome Aggregation Database)), is uninformative in the assessment of its pathogenicity. Based on the available information, this variant is classified as pathogenic.

Ambry Genetics
Classification: Pathogenic for Hereditary cancer-predisposing syndrome. Last evaluated: 2024-10-08. Review status: criteria provided, single submitter. Criteria: Ambry Variant Classification Scheme 2023. Collection method: clinical testing. Allele origin: germline.
Comment: The c.3980_3983dupATCA pathogenic mutation, located in coding exon 9 of the MSH6 gene, results from a duplication of ATCA at nucleotide positions 3980 to 3983, causing a translational frameshift with a predicted alternate stop codon (p.L1330Vfs*12). This alteration occurs at the 3' terminus of theMSH6 gene, is not expected to trigger nonsense-mediated mRNA decay, and only impacts the last 2.3% of the protein. However, premature stop codons are typically deleterious in nature. This mutation was identified once in a pool of Scottish probands with either colon or endometrial cancer diagnosed before age 55 (Baglietto L et al. J Natl Cancer Inst. 2010 Feb 3;102(3):193-201) and in individuals meeting Amsterdam criteria (Ambry internal data). In addition, this mutation was reported as homozygous in an individual with constitutional mismatch repair deficiency (CMMRD) (Shapira Rootman M et al. Clin Genet, 2020 02;97:296-304). Based on the supporting evidence, this variant is interpreted as a disease-causing mutation.

Color Diagnostics, LLC DBA Color Health
Classification: Pathogenic for Hereditary cancer-predisposing syndrome. Last evaluated: 2024-01-31. Review status: criteria provided, single submitter. Criteria: ACMG Guidelines, 2015. Collection method: clinical testing. Allele origin: germline.
Comment: This variant inserts 4 nucleotides in exon 9 of the MSH6 gene, creating a frameshift and premature translation stop signal. This variant is expected to result in an absent or non-functional protein product. This variant has been reported in several individuals as compound heterozygous that are affected with constitutional mismatch repair deficiency (PMID: 24440087). This variant has also been observed in a Scottish family affected with Lynch syndrome-associated cancers (PMID: 20028993). Another variant, c.3984_3987dup, resulting in a frameshift at the same codon 1341 has been shown to segregate with disease in Jewish families (PMID: 14520694, 19851887). This variant has been identified in 1/246946 chromosomes in the general population by the Genome Aggregation Database (gnomAD). Loss of MSH6 function is a known mechanism of disease. Based on the available evidence, this variant is classified as Pathogenic.

Myriad Genetics, Inc.
Classification: Pathogenic for Lynch syndrome 5. Last evaluated: 2023-08-28. Review status: criteria provided, single submitter. Criteria: Myriad Autosomal Dominant, Autosomal Recessive and X-Linked Classification Criteria (2023). Collection method: clinical testing. Allele origin: unknown.
Comment: This variant is considered pathogenic. This variant creates a frameshift predicted to result in premature protein truncation.

GeneDx
Classification: Pathogenic. Last evaluated: 2023-07-25. Review status: criteria provided, single submitter. Criteria: GeneDx Variant Classification Process June 2021. Collection method: clinical testing. Allele origin: germline. Affected: yes.
Comment: Frameshift variant predicted to result in protein truncation in a gene for which loss-of-function is a known mechanism of disease; Observed as homozygous in a patient with constitutional mismatch repair deficiency (CMMR-D) (Toledano et al., 2019); Observed as heterozygous in individuals with a personal or family history consistent with pathogenic variants in this gene (Baglietto et al., 2010; Yang et al., 2021); Not observed at a significant frequency in large population cohorts (gnomAD); Truncating variants in this gene are considered pathogenic by a well-established clinical consortium and/or database; This variant is associated with the following publications: (PMID: 31730237, 28152038, 31447099, 34148862, 36988593, 32844218, 34086170, 20028993, 29922827, 32030746, 31501241, 33977078)

Baylor Genetics
Classification: Pathogenic for Endometrial carcinoma. Last evaluated: 2022-06-21. Review status: criteria provided, single submitter. Criteria: ACMG Guidelines, 2015. Collection method: clinical testing. Allele origin: unknown.

NM_000179.3(MSH6):c.3980_3983dup (p.Leu1330fs)

Gene: MSH6 (mutS homolog 6; plus strand). Cytogenetic location: 2p16.3.
Variant type: Duplication.
Coding change: c.3980_3983dup on transcript NM_000179.3 (MANE Select); coding-DNA positions 3980 to 3983, 4 bases duplicated (ATCA; older notation c.3980_3983dupATCA).
Protein change: p.Leu1330fs; shifts the reading frame from leucine 1330.
Molecular consequence: frameshift variant.
Genome position (GRCh38, 1-based): chr2:47,806,630-47,806,633, ATCA duplicated; duplicating any 4 consecutive bases within chr2:47,806,629-47,806,633 gives the same sequence; the c. name uses the placement nearest the transcript's 3' end. VCF-style (leftmost placement, unchanged base first): chr2-47806628-G-GAATC. GRCh37 (hg19) VCF-style: chr2-48033767-G-GAATC.
Other names: p.Leu1330ValfsX12; c.3980_3983dupATCA (NM_000179.2); c.3590_3593dup, p.Leu1200fs (NM_001281492.2); c.3074_3077dup, p.Leu1028fs (NM_001281493.2, NM_001281494.2); short protein forms L1028fs, L1200fs, L1330fs.
Identifiers: ClinVar variation 184998 (VCV000184998.88), dbSNP rs1553333738, ClinGen allele CA014990.